The following is an entry in ClinVar:

ClinVar aggregate classification (germline): Uncertain significance (1 of 4 stars; one submission).

Conditions:
Familial cancer of breast. Also called: hereditary breast carcinoma; BREAST CANCER, FAMILIAL; Hereditary breast cancer. Identifiers: Orphanet 227535, MedGen C0346153, MONDO:0016419, OMIM 114480. Disease mechanism: loss of function.
Fanconi anemia complementation group J. Also called: BRIP1-Related Fanconi Anemia. Identifiers: Orphanet 84, MedGen C1836860, MONDO:0012187, OMIM 609054.

gnomAD v4.1: 2 of 1,613,030 alleles (0.00012%); highest among the groups gnomAD compares: East Asian, 0.0022%; no homozygotes.

Submission:

Labcorp Genetics (formerly Invitae), Labcorp
Classification: Uncertain significance for Familial cancer of breast; Fanconi anemia complementation group J. Last evaluated: 2018-11-01. Review status: criteria provided, single submitter. Criteria: Invitae Variant Classification Sherloc (09022015). Collection method: clinical testing. Allele origin: germline.
Comment: This variant has not been reported in the literature in individuals with BRIP1-related disease. Algorithms developed to predict the effect of missense changes on protein structure and function output the following: SIFT: "Tolerated"; PolyPhen-2: "Benign"; Align-GVGD: "Class C0". The isoleucine amino acid residue is found in multiple mammalian species, suggesting that this missense change does not adversely affect protein function. These predictions have not been confirmed by published functional studies and their clinical significance is uncertain. In summary, the available evidence is currently insufficient to determine the role of this variant in disease. Therefore, it has been classified as a Variant of Uncertain Significance. This variant is not present in population databases (ExAC no frequency). This sequence change replaces valine with isoleucine at codon 497 of the BRIP1 protein (p.Val497Ile). The valine residue is highly conserved and there is a small physicochemical difference between valine and isoleucine.

NM_032043.3(BRIP1):c.1489G>A (p.Val497Ile)

Gene: BRIP1 (BRCA1 interacting DNA helicase 1; minus strand). Cytogenetic location: 17q23.2.
Variant type: single nucleotide variant.
Coding change: c.1489G>A on transcript NM_032043.3 (MANE Select); coding-DNA position 1489, G replaced by A.
Protein change: p.Val497Ile; replaces valine 497 with isoleucine.
Molecular consequence: missense variant.
Genome position (GRCh38, 1-based): chr17:61,784,409, C>T on the plus strand (G>A on the coding strand, the complement: BRIP1 is on the minus strand). VCF-style: chr17-61784409-C-T. GRCh37 (hg19) VCF-style: chr17-59861770-C-T.
Other names: short protein forms V497I.
Identifiers: ClinVar variation 649265 (VCV000649265.9), dbSNP rs876658725, ClinGen allele CA400481460.